The following is an entry in ClinVar:

NM_001142966.3(GREB1L):c.5622T>A (p.Cys1874Ter)

Gene: GREB1L (GREB1 like retinoic acid receptor coactivator; plus strand). Cytogenetic location: 18q11.2.
Variant type: single nucleotide variant.
Coding change: c.5622T>A on transcript NM_001142966.3 (MANE Select); coding-DNA position 5622, T replaced by A.
Protein change: p.Cys1874Ter; replaces cysteine 1874 with a stop codon.
Molecular consequence: nonsense.
Genome position (GRCh38, 1-based): chr18:21,522,671, T>A. VCF-style: chr18-21522671-T-A. GRCh37 (hg19) VCF-style: chr18-19102632-T-A.
Other names: short protein forms C1874*.
Identifiers: ClinVar variation 917711 (VCV000917711.1), dbSNP rs2037623971, ClinGen allele CA401739056.

ClinVar aggregate classification (germline): Likely pathogenic (1 of 4 stars; one submission).

Conditions:
Renal hypodysplasia/aplasia 3 (RHDA3). Identifiers: MedGen C4540497, MONDO:0024520, OMIM 617805.

Submission:

Women's Health and Genetics/Laboratory Corporation of America, LabCorp
Classification: Likely pathogenic for Renal hypodysplasia/aplasia 3. Last evaluated: 2020-02-18. Review status: criteria provided, single submitter. Criteria: LabCorp Variant Classification Summary - May 2015. Collection method: clinical testing. Allele origin: germline.
Comment: Variant summary: GREB1L c.5622T>A (p.Cys1874X) results in a premature termination codon, predicted to cause a truncation of the encoded protein or absence of the protein due to nonsense mediated decay, which are commonly known mechanisms for disease. The variant was absent in 153312 control chromosomes (gnomAD). To our knowledge, no occurrence of c.5622T>A in individuals affected with Renal hypodysplasia/aplasia 3 and no experimental evidence demonstrating its impact on protein function have been reported. No clinical diagnostic laboratories have submitted clinical-significance assessments for this variant to ClinVar after 2014. Based on the evidence outlined above, the variant was classified as likely pathogenic.